The following is an entry in ClinVar:

ClinVar aggregate classification (germline): Benign. Review status: criteria provided, multiple submitters, no conflicts (2 of 4 stars). 4 submissions from 4 submitters: Benign (4). Last evaluated 2026-02-02.

Conditions:
Junctional epidermolysis bullosa with pyloric atresia. Also called: ITGB4-Related Epidermolysis Bullosa with Pyloric Atresia; ITGA6-Related Epidermolysis Bullosa with Pyloric Atresia; EPIDERMOLYSIS BULLOSA, JUNCTIONAL 5B, WITH PYLORIC ATRESIA; APLASIA CUTIS CONGENITA WITH GASTROINTESTINAL ATRESIA; CARMI SYNDROME; EB-PA-ACC. Identifiers: Orphanet 79403, MedGen C5676875, MONDO:0009183, OMIM 226730.

Allele frequency attached by ClinVar (database versions not stated): 1000 Genomes Project 0.04133; 1000 Genomes Project 30x 0.04201; gnomAD 0.06398 and 0.06414; ExAC 0.07620; gnomAD exomes 0.07865 and 0.08680; ESP Exome Variant Server 0.06574; TOPMed 0.06724.
gnomAD v4.1: 136,337 of 1,613,436 alleles (8.5%); highest among the groups gnomAD compares: Admixed American, 13%; 6,361 homozygotes.

Submissions (35):

Labcorp Genetics (formerly Invitae), Labcorp
Classification: Benign. Last evaluated: 2026-02-02. Review status: criteria provided, single submitter. Criteria: Invitae Variant Classification Sherloc (09022015). Collection method: clinical testing. Allele origin: germline.

GeneDx
Classification: Benign. Last evaluated: 2021-05-04. Review status: criteria provided, single submitter. Criteria: GeneDx Variant Classification Process June 2021. Collection method: clinical testing. Allele origin: germline. Affected: yes.

Illumina Laboratory Services, Illumina
Classification: Benign for Junctional epidermolysis bullosa with pyloric atresia. Last evaluated: 2018-01-12. Review status: criteria provided, single submitter. Criteria: ICSL Variant Classification Criteria 13 December 2019. Collection method: clinical testing. Allele origin: germline.
Comment: This variant was observed in the ICSL laboratory as part of a predisposition screen in an ostensibly healthy population. It had not been previously curated by ICSL or reported in the Human Gene Mutation Database (HGMD: prior to June 1st, 2018), and was therefore a candidate for classification through an automated scoring system. Utilizing variant allele frequency, disease prevalence and penetrance estimates, and inheritance mode, an automated score was calculated to assess if this variant is too frequent to cause the disease. Based on the score and internal cut-off values, a variant classified as benign is not then subjected to further curation. The score for this variant resulted in a classification of benign for this disease.

Breakthrough Genomics
Classification: Benign. Review status: criteria provided, single submitter. Criteria: ACMG Guidelines, 2015. Collection method: not provided. Allele origin: germline. Inheritance: Autosomal recessive inheritance. Affected: yes.

Dr. Peter K. Rogan Lab, Western University
No classification provided (evidence only). Condition: Cholangiocarcinoma. Review status: no classification provided. Collection method: in vitro. Allele origin: not applicable. Functional consequence: skipped exon, retained intron. Not counted in ClinVar's aggregate classification.

Dr. Peter K. Rogan Lab, Western University
No classification provided (evidence only). Condition: Chronic lymphocytic leukemia/small lymphocytic lymphoma. Review status: no classification provided. Collection method: in vitro. Allele origin: not applicable. Functional consequence: retained intron. Not counted in ClinVar's aggregate classification.

Dr. Peter K. Rogan Lab, Western University
No classification provided (evidence only). Condition: Chronic lymphocytic leukemia/small lymphocytic lymphoma. Review status: no classification provided. Collection method: in vitro. Allele origin: not applicable. Functional consequence: retained intron. Not counted in ClinVar's aggregate classification.

Dr. Peter K. Rogan Lab, Western University
No classification provided (evidence only). Condition: Chronic lymphocytic leukemia/small lymphocytic lymphoma. Review status: no classification provided. Collection method: in vitro. Allele origin: not applicable. Functional consequence: retained intron. Not counted in ClinVar's aggregate classification.

Dr. Peter K. Rogan Lab, Western University
No classification provided (evidence only). Condition: Chronic lymphocytic leukemia/small lymphocytic lymphoma. Review status: no classification provided. Collection method: in vitro. Allele origin: not applicable. Functional consequence: retained intron. Not counted in ClinVar's aggregate classification.

Dr. Peter K. Rogan Lab, Western University
No classification provided (evidence only). Condition: Chronic lymphocytic leukemia/small lymphocytic lymphoma. Review status: no classification provided. Collection method: in vitro. Allele origin: not applicable. Functional consequence: retained intron. Not counted in ClinVar's aggregate classification.

Dr. Peter K. Rogan Lab, Western University
No classification provided (evidence only). Condition: Nonpapillary renal cell carcinoma. Review status: no classification provided. Collection method: in vitro. Allele origin: not applicable. Functional consequence: retained intron. Not counted in ClinVar's aggregate classification.

Dr. Peter K. Rogan Lab, Western University
No classification provided (evidence only). Condition: Nonpapillary renal cell carcinoma. Review status: no classification provided. Collection method: in vitro. Allele origin: not applicable. Functional consequence: retained intron. Not counted in ClinVar's aggregate classification.

Dr. Peter K. Rogan Lab, Western University
No classification provided (evidence only). Condition: Familial pancreatic carcinoma. Review status: no classification provided. Collection method: in vitro. Allele origin: not applicable. Functional consequence: skipped exon, retained intron. Not counted in ClinVar's aggregate classification.

Dr. Peter K. Rogan Lab, Western University
No classification provided (evidence only). Condition: Familial pancreatic carcinoma. Review status: no classification provided. Collection method: in vitro. Allele origin: not applicable. Functional consequence: retained intron. Not counted in ClinVar's aggregate classification.

Dr. Peter K. Rogan Lab, Western University
No classification provided (evidence only). Condition: Familial pancreatic carcinoma. Review status: no classification provided. Collection method: in vitro. Allele origin: not applicable. Functional consequence: skipped exon, retained intron. Not counted in ClinVar's aggregate classification.

Dr. Peter K. Rogan Lab, Western University
No classification provided (evidence only). Condition: Familial pancreatic carcinoma. Review status: no classification provided. Collection method: in vitro. Allele origin: not applicable. Functional consequence: retained intron. Not counted in ClinVar's aggregate classification.

Dr. Peter K. Rogan Lab, Western University
No classification provided (evidence only). Condition: Familial pancreatic carcinoma. Review status: no classification provided. Collection method: in vitro. Allele origin: not applicable. Functional consequence: retained intron. Not counted in ClinVar's aggregate classification.

Dr. Peter K. Rogan Lab, Western University
No classification provided (evidence only). Condition: Familial pancreatic carcinoma. Review status: no classification provided. Collection method: in vitro. Allele origin: not applicable. Functional consequence: skipped exon, retained intron. Not counted in ClinVar's aggregate classification.

Dr. Peter K. Rogan Lab, Western University
No classification provided (evidence only). Condition: Familial pancreatic carcinoma. Review status: no classification provided. Collection method: in vitro. Allele origin: not applicable. Functional consequence: retained intron. Not counted in ClinVar's aggregate classification.

Dr. Peter K. Rogan Lab, Western University
No classification provided (evidence only). Condition: Familial pancreatic carcinoma. Review status: no classification provided. Collection method: in vitro. Allele origin: not applicable. Functional consequence: retained intron. Not counted in ClinVar's aggregate classification.

Dr. Peter K. Rogan Lab, Western University
No classification provided (evidence only). Condition: Familial pancreatic carcinoma. Review status: no classification provided. Collection method: in vitro. Allele origin: not applicable. Functional consequence: retained intron. Not counted in ClinVar's aggregate classification.

Dr. Peter K. Rogan Lab, Western University
No classification provided (evidence only). Condition: Familial pancreatic carcinoma. Review status: no classification provided. Collection method: in vitro. Allele origin: not applicable. Functional consequence: skipped exon, retained intron. Not counted in ClinVar's aggregate classification.

Dr. Peter K. Rogan Lab, Western University
No classification provided (evidence only). Condition: Familial pancreatic carcinoma. Review status: no classification provided. Collection method: in vitro. Allele origin: not applicable. Functional consequence: retained intron. Not counted in ClinVar's aggregate classification.

Dr. Peter K. Rogan Lab, Western University
No classification provided (evidence only). Condition: Familial pancreatic carcinoma. Review status: no classification provided. Collection method: in vitro. Allele origin: not applicable. Functional consequence: retained intron. Not counted in ClinVar's aggregate classification.

Dr. Peter K. Rogan Lab, Western University
No classification provided (evidence only). Condition: Familial pancreatic carcinoma. Review status: no classification provided. Collection method: in vitro. Allele origin: not applicable. Functional consequence: retained intron. Not counted in ClinVar's aggregate classification.

Dr. Peter K. Rogan Lab, Western University
No classification provided (evidence only). Condition: Familial pancreatic carcinoma. Review status: no classification provided. Collection method: in vitro. Allele origin: not applicable. Functional consequence: retained intron. Not counted in ClinVar's aggregate classification.

Dr. Peter K. Rogan Lab, Western University
No classification provided (evidence only). Condition: Familial pancreatic carcinoma. Review status: no classification provided. Collection method: in vitro. Allele origin: not applicable. Functional consequence: retained intron. Not counted in ClinVar's aggregate classification.

Dr. Peter K. Rogan Lab, Western University
No classification provided (evidence only). Condition: Lymphoma. Review status: no classification provided. Collection method: in vitro. Allele origin: not applicable. Functional consequence: retained intron. Not counted in ClinVar's aggregate classification.

Dr. Peter K. Rogan Lab, Western University
No classification provided (evidence only). Condition: Lymphoma. Review status: no classification provided. Collection method: in vitro. Allele origin: not applicable. Functional consequence: retained intron. Not counted in ClinVar's aggregate classification.

Dr. Peter K. Rogan Lab, Western University
No classification provided (evidence only). Condition: Lymphoma. Review status: no classification provided. Collection method: in vitro. Allele origin: not applicable. Functional consequence: retained intron. Not counted in ClinVar's aggregate classification.

Dr. Peter K. Rogan Lab, Western University
No classification provided (evidence only). Condition: Lymphoma. Review status: no classification provided. Collection method: in vitro. Allele origin: not applicable. Functional consequence: retained intron. Not counted in ClinVar's aggregate classification.

Dr. Peter K. Rogan Lab, Western University
No classification provided (evidence only). Condition: Lymphoma. Review status: no classification provided. Collection method: in vitro. Allele origin: not applicable. Functional consequence: retained intron. Not counted in ClinVar's aggregate classification.

Dr. Peter K. Rogan Lab, Western University
No classification provided (evidence only). Condition: Lymphoma. Review status: no classification provided. Collection method: in vitro. Allele origin: not applicable. Functional consequence: retained intron. Not counted in ClinVar's aggregate classification.

Dr. Peter K. Rogan Lab, Western University
No classification provided (evidence only). Condition: Ovarian cancer. Review status: no classification provided. Collection method: in vitro. Allele origin: not applicable. Functional consequence: retained intron. Not counted in ClinVar's aggregate classification.

Dr. Peter K. Rogan Lab, Western University
No classification provided (evidence only). Condition: Ovarian cancer. Review status: no classification provided. Collection method: in vitro. Allele origin: not applicable. Functional consequence: skipped exon, retained intron. Not counted in ClinVar's aggregate classification.

NM_000210.4(ITGA6):c.388-13C>A

Genes: ITGA6 (integrin subunit alpha 6; plus strand), PDK1-AS1 (PDK1 and ITGA6 antisense RNA 1; minus strand). Cytogenetic location: 2q31.1.
Variant type: single nucleotide variant.
Coding change: c.388-13C>A on transcript NM_000210.4 (MANE Select); 13 bases into the intron before coding-DNA position 388, C replaced by A.
Molecular consequence: intron variant.
Genome position (GRCh38, 1-based): chr2:172,469,112, C>A. VCF-style: chr2-172469112-C-A. GRCh37 (hg19) VCF-style: chr2-173333840-C-A.
Other names: c.46-13C>A (NM_001316306.2); c.388-13C>A (NM_001079818.3, NM_001365530.2, NM_001365529.2).
Identifiers: ClinVar variation 332358 (VCV000332358.16), dbSNP rs1574028, ClinGen allele CA1967830.